The following is an entry in ClinVar:

NM_001291303.3(FAT4):c.6518T>C (p.Ile2173Thr)

Gene: FAT4 (FAT atypical cadherin 4; plus strand). Cytogenetic location: 4q28.1.
Variant type: single nucleotide variant.
Coding change: c.6518T>C on transcript NM_001291303.3 (MANE Select); coding-DNA position 6518, T replaced by C.
Protein change: p.Ile2173Thr; replaces isoleucine 2173 with threonine.
Molecular consequence: missense variant.
Genome position (GRCh38, 1-based): chr4:125,415,481, T>C. VCF-style: chr4-125415481-T-C. GRCh37 (hg19) VCF-style: chr4-126336636-T-C.
Other names: c.6518T>C, p.Ile2173Thr (NM_001291285.3, NM_024582.6); c.6518T>C (NM_024582.4); short protein forms I2173T.
Identifiers: ClinVar variation 1346199 (VCV001346199.7), dbSNP rs1236758384, ClinGen allele CA358129868.

ClinVar aggregate classification (germline): Uncertain significance. Review status: criteria provided, multiple submitters, no conflicts (2 of 4 stars). 2 submissions from 2 submitters: Uncertain significance (2). Last evaluated 2025-04-30.

Allele frequency attached by ClinVar (database versions not stated): gnomAD exomes below 0.00001.
gnomAD v4.1: 2 of 1,614,078 alleles (0.00012%); highest among the groups gnomAD compares: Non-Finnish European, 0.00017%; no homozygotes.

Submissions (2):

GeneDx
Classification: Uncertain significance. Last evaluated: 2025-04-30. Review status: criteria provided, single submitter. Criteria: GeneDx Variant Classification Process June 2021. Collection method: clinical testing. Allele origin: germline. Affected: yes.
Comment: Not observed at significant frequency in large population cohorts (gnomAD); In silico analysis supports that this missense variant has a deleterious effect on protein structure/function; Has not been previously published as pathogenic or benign to our knowledge

Labcorp Genetics (formerly Invitae), Labcorp
Classification: Uncertain significance. Last evaluated: 2022-07-19. Review status: criteria provided, single submitter. Criteria: Invitae Variant Classification Sherloc (09022015). Collection method: clinical testing. Allele origin: germline.
Comment: Advanced modeling of protein sequence and biophysical properties (such as structural, functional, and spatial information, amino acid conservation, physicochemical variation, residue mobility, and thermodynamic stability) performed at Invitae indicates that this missense variant is not expected to disrupt FAT4 protein function. In summary, the available evidence is currently insufficient to determine the role of this variant in disease. Therefore, it has been classified as a Variant of Uncertain Significance. ClinVar contains an entry for this variant (Variation ID: 1346199). This variant has not been reported in the literature in individuals affected with FAT4-related conditions. This variant is present in population databases (no rsID available, gnomAD 0.0009%). This sequence change replaces isoleucine, which is neutral and non-polar, with threonine, which is neutral and polar, at codon 2173 of the FAT4 protein (p.Ile2173Thr).